The following is an entry in ClinVar:

NM_004056.6(CA8):c.327A>G (p.Glu109=)

Gene: CA8 (carbonic anhydrase 8 (inactive); minus strand). Cytogenetic location: 8q12.1.
Variant type: single nucleotide variant.
Coding change: c.327A>G on transcript NM_004056.6 (MANE Select); coding-DNA position 327, A replaced by G.
Protein change: p.Glu109=; no amino-acid change (glutamic acid 109 retained).
Molecular consequence: synonymous variant. On other transcripts: non-coding transcript variant (1).
Genome position (GRCh38, 1-based): chr8:60,266,015, T>C on the plus strand (A>G on the coding strand, the complement: CA8 is on the minus strand). VCF-style: chr8-60266015-T-C. GRCh37 (hg19) VCF-style: chr8-61178574-T-C.
Other names: p.Glu109=; c.327A>G, p.Glu109= (NM_001321837.2, NM_001321838.2, NM_001321839.2).
Identifiers: ClinVar variation 128540 (VCV000128540.17), dbSNP rs7464181, ClinGen allele CA152067.
Genomic context (GRCh38, chr8:60,266,015, plus strand): 5'-GTGCTCAGAACCACGCTGGTTTTCTCTTCCCCAGTGAAATCTCACTTCGTACAGTTCAAA[T>C]TCATGCCCTTGAGGCAATGGTCCTCCCGAAAGAACTGAAAAAGAAAATATATGTTACCGA-3'
Protein context (NP_004047.3, residues 99-119): LSGGPLPQGH[Glu109=]FELYEVRFHW

ClinVar aggregate classification (germline): Benign. Review status: criteria provided, multiple submitters, no conflicts (2 of 4 stars). 6 submissions from 6 submitters: Benign (5). 1 of the submissions does not count toward it. Last evaluated 2022-03-24.

Conditions:
Inborn genetic diseases. Identifiers: MedGen C0950123, MeSH D030342.
Cerebellar ataxia, intellectual disability, and dysequilibrium syndrome 3 (SCAR34). Also called: CEREBELLAR ATAXIA AND MENTAL RETARDATION WITH OR WITHOUT QUADRUPEDAL LOCOMOTION 3; SPINOCEREBELLAR ATAXIA, AUTOSOMAL RECESSIVE 34. Identifiers: Orphanet 1766, MedGen C2750509, MONDO:0013188, OMIM 613227.

Allele frequency attached by ClinVar (database versions not stated): 1000 Genomes Project 0.50100; ESP Exome Variant Server 0.52822; ExAC 0.42793; gnomAD 0.50702 and 0.51676; 1000 Genomes Project 30x 0.51156; TOPMed 0.51455.
gnomAD v4.1: 686,421 of 1,612,348 alleles (43%); highest among the groups gnomAD compares: African/African-American, 77%; 153,050 homozygotes.

Submissions (6):

Mayo Clinic Laboratories, Mayo Clinic
Classification: Benign. Last evaluated: 2022-03-24. Review status: criteria provided, single submitter. Criteria: ACMG Guidelines, 2015. Collection method: clinical testing. Allele origin: germline. Observed: 303 variant alleles.

Genome-Nilou Lab
Classification: Benign for Cerebellar ataxia, intellectual disability, and dysequilibrium syndrome 3. Last evaluated: 2021-07-14. Review status: criteria provided, single submitter. Criteria: ACMG Guidelines, 2015. Collection method: clinical testing. Allele origin: germline. Affected: no.

GeneDx
Classification: Benign. Last evaluated: 2021-06-09. Review status: criteria provided, single submitter. Criteria: GeneDx Variant Classification Process June 2021. Collection method: clinical testing. Allele origin: germline. Affected: yes.

Ambry Genetics
Classification: Benign for Inborn genetic diseases. Last evaluated: 2016-03-11. Review status: criteria provided, single submitter. Criteria: Ambry Variant Classification Scheme 2023. Collection method: clinical testing. Allele origin: germline.

Breakthrough Genomics
Classification: Benign. Review status: criteria provided, single submitter. Criteria: ACMG Guidelines, 2015. Collection method: not provided. Allele origin: germline. Inheritance: Autosomal recessive inheritance. Affected: yes.

Genetic Services Laboratory, University of Chicago
Classification: Likely benign for AllHighlyPenetrant. Review status: no assertion criteria provided. Collection method: clinical testing. Allele origin: germline. Inheritance: Autosomal recessive inheritance. Not counted in ClinVar's aggregate classification.
Comment: Likely benign based on allele frequency in 1000 Genomes Project or ESP global frequency and its presence in a patient with a rare or unrelated disease phenotype. NOT Sanger confirmed.